The following is an entry in ClinVar:

NM_003896.4(ST3GAL5):c.336dup (p.Gln113fs)

Gene: ST3GAL5 (ST3 beta-galactoside alpha-2,3-sialyltransferase 5; minus strand). Cytogenetic location: 2p11.2.
Variant type: Duplication.
Coding change: c.336dup on transcript NM_003896.4 (MANE Select); coding-DNA position 336, one base duplicated (T; older notation c.336dupT).
Protein change: p.Gln113fs; shifts the reading frame from glutamine 113.
Molecular consequence: frameshift variant. On other transcripts: 5 prime UTR variant (7).
Genome position (GRCh38, 1-based): chr2:85,848,187, A duplicated on the plus strand (T on the coding strand, the reverse complement: ST3GAL5 is on the minus strand). VCF-style (leftmost placement, unchanged base first): chr2-85848186-G-GA. GRCh37 (hg19) VCF-style: chr2-86075309-G-GA.
Other names: c.267dup, p.Gln90fs (NM_001042437.2); c.-49dup (NM_001354223.2, NM_001354224.2, NM_001354226.2 and 3 more transcripts); c.252dup, p.Gln85fs (NM_001354227.2, NM_001354229.2, NM_001354238.1); c.-569dup (NM_001354247.1); c.336dup, p.Gln113fs (NM_001363847.1); c.336dupT (NM_003896.3); short protein forms Q113fs, Q90fs, Q85fs.
Identifiers: ClinVar variation 452094 (VCV000452094.2), dbSNP rs1553405529, ClinGen allele CA658657046.
Genomic context (GRCh38, chr2:85,848,186, plus strand): 5'-ATAACAGCGCCATTGATGTCTTGGCAAACTTGGGACGACATTCCTTCTGCAAGACTTGCT[G>GA]AGCATATTTCTGAGCTCTCTGGAATGAAATCACACCAATCTGGGTTTTAAAAACTCTCCT-3'

ClinVar aggregate classification (germline): Likely pathogenic (1 of 4 stars; one submission).

Submission:

GeneDx
Classification: Likely pathogenic. Last evaluated: 2017-09-19. Review status: criteria provided, single submitter. Criteria: GeneDx Variant Classification (06012015). Collection method: clinical testing. Allele origin: germline. Affected: yes.
Comment: The c.336dupT variant in the ST3GAL5 gene has not been reported previously as a pathogenic variant nor as a benign variant, to our knowledge. The c.336dupT variant causes a frameshift starting with codon Glutamine 113, changes this amino acid to a Serine residue, and creates a premature Stop codon at position 22 of the new reading frame, denoted p.Q113SfsX22. This variant is predicted to cause loss of normal protein function either through protein truncation or nonsense-mediated mRNA decay. The c.336dupT variant is not observed in large population cohorts (Lek et al., 2016). We interpret c.336dupT as a likely pathogenic variant.